The following is an entry in ClinVar:

ClinVar aggregate classification (germline): Pathogenic (1 of 4 stars; one submission).

Conditions:
Thyroid dyshormonogenesis 6 (TDH6). Also called: THYROID HORMONOGENESIS, GENETIC DEFECT IN, 6; Genetic transient congenital hypothyroidism; HYPOTHYROIDISM, CONGENITAL, DUE TO DYSHORMONOGENESIS, 6. Identifiers: Orphanet 226316, Orphanet 95716, MedGen C1846632, MONDO:0011792, OMIM 607200.

gnomAD v4.1: 1 of 1,534,742 alleles (0.000065%); highest among the groups gnomAD compares: Non-Finnish European, 0.000087%; no homozygotes.

Submission:

Juno Genomics, Hangzhou Juno Genomics, Inc
Classification: Pathogenic for Thyroid dyshormonogenesis 6. Review status: criteria provided, single submitter. Criteria: ACMG Guidelines, 2015. Collection method: clinical testing. Allele origin: germline. Affected: yes.
Comment: Null variant in a gene where loss of function (LOF) is a known mechanism of disease.;Absent from controls (or at extremely low frequency if recessive) in Genome Aggregation Database, Exome Sequencing Project, 1000 Genomes Project, or Exome Aggregation Consortium.;Patient's phenotype or family history is highly specific for a disease with a single genetic etiology.

NM_001363711.2(DUOX2):c.514-2A>G

Gene: DUOX2 (dual oxidase 2; minus strand). Cytogenetic location: 15q21.1.
Variant type: single nucleotide variant.
Coding change: c.514-2A>G on transcript NM_001363711.2 (MANE Select); the canonical splice acceptor site of the intron before coding-DNA position 514, A replaced by G.
Molecular consequence: splice acceptor variant.
Genome position (GRCh38, 1-based): chr15:45,111,587, T>C on the plus strand (A>G on the coding strand, the complement: DUOX2 is on the minus strand). VCF-style: chr15-45111587-T-C. GRCh37 (hg19) VCF-style: chr15-45403785-T-C.
Other names: c.514-2A>G (NM_014080.5).
Identifiers: ClinVar variation 3382065 (VCV003382065.2).